The following is an entry in ClinVar:

ClinVar aggregate classification (germline): Benign. Review status: criteria provided, multiple submitters, no conflicts (2 of 4 stars). 2 submissions from 2 submitters: Benign (2). Last evaluated 2018-06-18.

Allele frequency attached by ClinVar (database versions not stated): gnomAD exomes 0.22831; gnomAD 0.28918 and 0.29421; TOPMed 0.30030; 1000 Genomes Project 0.38958; 1000 Genomes Project 30x 0.39569.
gnomAD v4.1: 238,638 of 998,076 alleles (24%); highest among the groups gnomAD compares: East Asian, 48%; 32,605 homozygotes.

Submissions (2):

GeneDx
Classification: Benign. Last evaluated: 2018-06-18. Review status: criteria provided, single submitter. Criteria: GeneDx Variant Classification (06012015). Collection method: clinical testing. Allele origin: germline. Affected: yes.
Comment: This variant is considered likely benign or benign based on one or more of the following criteria: it is a conservative change, it occurs at a poorly conserved position in the protein, it is predicted to be benign by multiple in silico algorithms, and/or has population frequency not consistent with disease.

Breakthrough Genomics
Classification: Benign. Review status: criteria provided, single submitter. Criteria: ACMG Guidelines, 2015. Collection method: not provided. Allele origin: germline. Inheritance: Autosomal dominant inheritance. Affected: yes.

NM_001035.3(RYR2):c.7966-107C>G

Gene: RYR2 (ryanodine receptor 2; plus strand). Cytogenetic location: 1q43.
Variant type: single nucleotide variant.
Coding change: c.7966-107C>G on transcript NM_001035.3 (MANE Select); 107 bases into the intron before coding-DNA position 7966, C replaced by G.
Molecular consequence: intron variant.
Genome position (GRCh38, 1-based): chr1:237,655,714, C>G. VCF-style: chr1-237655714-C-G. GRCh37 (hg19) VCF-style: chr1-237819014-C-G.
Identifiers: ClinVar variation 672097 (VCV000672097.2), dbSNP rs515474, ClinGen allele CA15143296.